The following is an entry in ClinVar:

NM_014727.3(KMT2B):c.4636C>G (p.Gln1546Glu)

Gene: KMT2B (lysine methyltransferase 2B; plus strand). Cytogenetic location: 19q13.12.
Variant type: single nucleotide variant.
Coding change: c.4636C>G on transcript NM_014727.3 (MANE Select); coding-DNA position 4636, C replaced by G.
Protein change: p.Gln1546Glu; replaces glutamine 1546 with glutamic acid.
Molecular consequence: missense variant.
Genome position (GRCh38, 1-based): chr19:35,728,838, C>G. VCF-style: chr19-35728838-C-G. GRCh37 (hg19) VCF-style: chr19-36219739-C-G.
Other names: short protein forms Q1546E.
Identifiers: ClinVar variation 1314914 (VCV001314914.3), dbSNP rs369588398, ClinGen allele CA9385173.
Genomic context (GRCh38, chr19:35,728,838, plus strand): 5'-GTCCTTCCCAATGCGGTGTTGCCCCCATCCCTGGATCATGTCTATGCGCAGTGGAGACAG[C>G]AGGAACCAGAGACCCCAGAATCAGGGCAGCCTCCAGGGGATCCCTCAGCAGGTACTGGGA-3'
Protein context (NP_055542.1, residues 1536-1556): LDHVYAQWRQ[Gln1546Glu]EPETPESGQP

ClinVar aggregate classification (germline): Conflicting classifications of pathogenicity. Review status: criteria provided, conflicting classifications (1 of 4 stars). 2 submissions from 2 submitters: Uncertain significance (1); Likely benign (1). Last evaluated 2025-09-22.

Allele frequency attached by ClinVar (database versions not stated): gnomAD exomes below 0.00001 and 0.00001; ExAC 0.00001; gnomAD 0.00001; TOPMed 0.00001; ESP Exome Variant Server 0.00008.
gnomAD v4.1: 4 of 1,613,840 alleles (0.00025%); highest among the groups gnomAD compares: Non-Finnish European, 0.00034%; no homozygotes.

Submissions (2):

Labcorp Genetics (formerly Invitae), Labcorp
Classification: Likely benign. Last evaluated: 2025-09-22. Review status: criteria provided, single submitter. Criteria: Invitae Variant Classification Sherloc (09022015). Collection method: clinical testing. Allele origin: germline.

GeneDx
Classification: Uncertain significance. Last evaluated: 2021-04-29. Review status: criteria provided, single submitter. Criteria: GeneDx Variant Classification Process June 2021. Collection method: clinical testing. Allele origin: germline. Affected: yes.
Comment: Not observed at a significant frequency in large population cohorts (Lek et al., 2016); In silico analysis supports that this missense variant does not alter protein structure/function; Has not been previously published as pathogenic or benign to our knowledge